The following is an entry in ClinVar:

ClinVar aggregate classification (germline): Conflicting classifications of pathogenicity. Review status: criteria provided, conflicting classifications (1 of 4 stars). 10 submissions from 10 submitters: Uncertain significance (7); Likely benign (3). Last evaluated 2025-12-22.

Conditions:
Hereditary cancer-predisposing syndrome. Also called: Neoplastic Syndromes, Hereditary; Hereditary Cancer Syndrome; Hereditary neoplastic syndrome; Tumor predisposition. Identifiers: Orphanet 140162, MedGen C0027672, MeSH D009386, MONDO:0015356.
Peutz-Jeghers syndrome (PJS). Also called: Peutz-Jeghers polyposis; Periorificial lentiginosis syndrome; POLYPOSIS, HAMARTOMATOUS INTESTINAL; POLYPS-AND-SPOTS SYNDROME. Identifiers: Orphanet 2869, MedGen C0031269, MeSH D010580, MONDO:0008280, OMIM 175200.

Allele frequency attached by ClinVar (database versions not stated): gnomAD 0.00001; gnomAD exomes 0.00001; TOPMed 0.00004; ESP Exome Variant Server 0.00008; ExAC 0.00001.
gnomAD v4.1: 11 of 1,611,044 alleles (0.00068%); highest among the groups gnomAD compares: African/African-American, 0.004%; no homozygotes.

Submissions (10):

Labcorp Genetics (formerly Invitae), Labcorp
Classification: Likely benign for Peutz-Jeghers syndrome. Last evaluated: 2025-12-22. Review status: criteria provided, single submitter. Criteria: Invitae Variant Classification Sherloc (09022015). Collection method: clinical testing. Allele origin: germline.

Center for Genomic Medicine, Rigshospitalet, Copenhagen University Hospital
Classification: Uncertain significance. Last evaluated: 2025-03-04. Review status: criteria provided, single submitter. Criteria: ACMG Guidelines, 2015. Collection method: clinical testing. Allele origin: germline.

All of Us Research Program, National Institutes of Health
Classification: Uncertain significance for Peutz-Jeghers syndrome. Last evaluated: 2024-03-14. Review status: criteria provided, single submitter. Criteria: ACMG Guidelines, 2015. Collection method: clinical testing. Allele origin: germline. Inheritance: Autosomal dominant inheritance. Observed: 2 variant alleles, 2 heterozygotes.
Comment: This missense variant replaces glycine with serine at codon 346 of the STK11 protein. Computational prediction suggests that this variant may not impact protein structure and function (internally defined REVEL score threshold <= 0.5, PMID: 27666373). To our knowledge, functional studies have not been reported for this variant. This variant has been reported in 2 cases and 4 controls in a large breast cancer association study (PMID: 33471991). This variant has been identified in 3/243724 chromosomes in the general population by the Genome Aggregation Database (gnomAD). The available evidence is insufficient to determine the role of this variant in disease conclusively. Therefore, this variant is classified as a Variant of Uncertain Significance.

This study involves interpretation of variants in research participants for the purpose of population health screening. Participant phenotype was not available at the time of variant classification. Additional details can be found in publication PMID: 35346344, PMCID: PMC8962531

Department of Pathology and Laboratory Medicine, Sinai Health System
Classification: Likely benign for Peutz-Jeghers syndrome. Last evaluated: 2023-09-25. Review status: criteria provided, single submitter. Criteria: ACMG Guidelines, 2015. Collection method: clinical testing. Allele origin: germline. Affected: yes.

Color Diagnostics, LLC DBA Color Health
Classification: Uncertain significance for Hereditary cancer-predisposing syndrome. Last evaluated: 2023-09-18. Review status: criteria provided, single submitter. Criteria: ACMG Guidelines, 2015. Collection method: clinical testing. Allele origin: germline.
Comment: This missense variant replaces glycine with serine at codon 346 of the STK11 protein. Computational prediction suggests that this variant may not impact protein structure and function (internally defined REVEL score threshold <= 0.5, PMID: 27666373). To our knowledge, functional studies have not been reported for this variant. In a large breast cancer case-control study, this variant has been reported in 2/60466 cases and 4/53461 controls (PMID: 33471991). This variant has been identified in 3/243724 chromosomes in the general population by the Genome Aggregation Database (gnomAD). The available evidence is insufficient to determine the role of this variant in disease conclusively. Therefore, this variant is classified as a Variant of Uncertain Significance.

Ambry Genetics
Classification: Likely benign for Hereditary cancer-predisposing syndrome. Last evaluated: 2023-04-21. Review status: criteria provided, single submitter. Criteria: Ambry Variant Classification Scheme 2023. Collection method: clinical testing. Allele origin: germline.

St. Jude Molecular Pathology, St. Jude Children's Research Hospital
Classification: Uncertain significance for Peutz-Jeghers syndrome. Last evaluated: 2023-03-27. Review status: criteria provided, single submitter. Criteria: St. Jude Assertion Criteria 2020. Collection method: clinical testing. Allele origin: germline.
Comment: The STK11 c.1036G>A (p.Gly346Ser) missense change has a maximum subpopulation frequency of 0.014% in gnomAD v2.1.1. The in silico tool REVEL predicts a benign effect on protein function, but to our knowledge this prediction has not been confirmed by functional studies. This variant was reported in 2 of 60,466 individuals with breast cancer and in 4 of 53,461 controls (PMID: 33471991). This variant is absent in a database of women older than 70 years of age who have never had cancer (FLOSSIES). To our knowledge, this variant has not been reported in individuals with Peutz-Jeghers syndrome. In summary, the evidence currently available is insufficient to determine the clinical significance of this variant. It has therefore been classified as of uncertain significance.

Genome-Nilou Lab
Classification: Uncertain significance for Peutz-Jeghers syndrome. Last evaluated: 2021-07-15. Review status: criteria provided, single submitter. Criteria: ACMG Guidelines, 2015. Collection method: clinical testing. Allele origin: germline. Affected: no.

Women's Health and Genetics/Laboratory Corporation of America, LabCorp
Classification: Uncertain significance. Last evaluated: 2021-05-10. Review status: criteria provided, single submitter. Criteria: LabCorp Variant Classification Summary - May 2015. Collection method: clinical testing. Allele origin: germline.
Comment: Variant summary: STK11 c.1036G>A (p.Gly346Ser) results in a non-conservative amino acid change in the encoded protein sequence. Three of five in-silico tools predict a benign effect of the variant on protein function. The variant allele was found at a frequency of 1.2e-05 in 243724 control chromosomes (gnomAD). The available data on variant occurrences in the general population are insufficient to allow any conclusion about variant significance. To our knowledge, c.1036G>A has not been reported in the literature in individuals affected with Peutz-Jeghers Syndrome. However, a recent large-scale breast cancer (BrC) study reported the variant in 2/60466 BrC cases and 4/53461 healthy controls (see Dorling_2021, through LOVD). To our knowledge, no experimental evidence demonstrating an impact on protein function has been reported. Four clinical diagnostic laboratories have submitted clinical-significance assessments for this variant to ClinVar after 2014, and all of them classified the variant as uncertain significance. Based on the evidence outlined above, the variant was classified as uncertain significance.

GeneDx
Classification: Uncertain significance. Last evaluated: 2017-04-21. Review status: criteria provided, single submitter. Criteria: GeneDx Variant Classification (06012015). Collection method: clinical testing. Allele origin: germline. Affected: yes.
Comment: This variant is denoted STK11 c.1036G>A at the cDNA level, p.Gly346Ser (G346S) at the protein level, and results in the change of a Glycine to a Serine (GGC>AGC). This variant has not, to our knowledge, been published in the literature as pathogenic or benign. STK11 Gly346Ser was not observed at a significant allele frequency in the NHLBI Exome Sequencing Project. Since Glycine and Serine differ in polarity, charge, size or other properties, this is considered a non-conservative amino acid substitution. STK11 Gly346Ser occurs at a position that is conserved across species and is located in the c-terminal domain (Hearle 2006). In silico analyses are inconsistent regarding the effect this variant may have on protein structure and function. Based on currently available evidence, it is unclear whether STK11 Gly346Ser is a pathogenic or benign variant. We consider it to be a variant of uncertain significance.

Literature cited by the submitters: PubMed 33193653 (cited by Center for Genomic Medicine, Rigshospitalet, Copenhagen University Hospital and Women's Health and Genetics/Laboratory Corporation of America, LabCorp); PubMed 33471991 (cited by 3 submitters); PubMed 33272240 (cited by Women's Health and Genetics/Laboratory Corporation of America, LabCorp).

NM_000455.5(STK11):c.1036G>A (p.Gly346Ser)

Genes: STK11 (serine/threonine kinase 11; plus strand), LOC130062899 (ATAC-STARR-seq lymphoblastoid active region 13597; plus strand). Cytogenetic location: 19p13.3.
Variant type: single nucleotide variant.
Coding change: c.1036G>A on transcript NM_000455.5 (MANE Select); coding-DNA position 1036, G replaced by A.
Protein change: p.Gly346Ser; replaces glycine 346 with serine.
Molecular consequence: missense variant.
Genome position (GRCh38, 1-based): chr19:1,223,100, G>A. VCF-style: chr19-1223100-G-A. GRCh37 (hg19) VCF-style: chr19-1223099-G-A.
Other names: short protein forms G346S.
Identifiers: ClinVar variation 141886 (VCV000141886.29), dbSNP rs375431906, ClinGen allele CA022187.